The following is an entry in ClinVar:

ClinVar aggregate classification (germline): Likely benign. Review status: criteria provided, multiple submitters, no conflicts (2 of 4 stars). 2 submissions from 2 submitters: Likely benign (2). Last evaluated 2025-12-04.

gnomAD v4.1: 1 of 1,604,180 alleles (0.000062%); highest among the groups gnomAD compares: Non-Finnish European, 0.000085%; no homozygotes.

Submissions (2):

Mayo Clinic Laboratories, Mayo Clinic
Classification: Likely benign. Last evaluated: 2025-12-04. Review status: criteria provided, single submitter. Criteria: ACMG Guidelines, 2015. Collection method: clinical testing. Allele origin: germline. Observed: 1 variant allele.
Comment: BP4, BP7

Labcorp Genetics (formerly Invitae), Labcorp
Classification: Likely benign. Last evaluated: 2021-04-17. Review status: criteria provided, single submitter. Criteria: Invitae Variant Classification Sherloc (09022015). Collection method: clinical testing. Allele origin: germline.

NM_001100913.3(PACS2):c.2190G>C (p.Ala730=)

Gene: PACS2 (phosphofurin acidic cluster sorting protein 2; plus strand). Cytogenetic location: 14q32.33.
Variant type: single nucleotide variant.
Coding change: c.2190G>C on transcript NM_001100913.3 (MANE Select); coding-DNA position 2190, G replaced by C.
Protein change: p.Ala730=; no amino-acid change (alanine 730 retained).
Molecular consequence: synonymous variant.
Genome position (GRCh38, 1-based): chr14:105,391,701, G>C. VCF-style: chr14-105391701-G-C. GRCh37 (hg19) VCF-style: chr14-105858038-G-C.
Other names: p.Ala730=; c.1920G>C, p.Ala640= (NM_001243127.3); c.2145G>C, p.Ala715= (NM_015197.4).
Identifiers: ClinVar variation 1652995 (VCV001652995.9), dbSNP rs368303452, ClinGen allele CA488205825.